The following is an entry in ClinVar:

ClinVar aggregate classification (germline): Uncertain significance (1 of 4 stars; one submission).

Submission:

GeneDx
Classification: Uncertain significance. Last evaluated: 2024-12-26. Review status: criteria provided, single submitter. Criteria: GeneDx Variant Classification Process June 2021. Collection method: clinical testing. Allele origin: germline. Affected: yes.
Comment: Frameshift variant predicted to result in protein truncation as the last 62 amino acids are replaced with 40 different amino acids, although loss-of-function variants have not been reported downstream of this position in the protein; Not observed in large population cohorts (gnomAD); Has not been previously published as pathogenic or benign to our knowledge

NM_004606.5(TAF1):c.5415_5434dup (p.Asn1812fs)

Gene: TAF1 (TATA-box binding protein associated factor 1; plus strand). Cytogenetic location: Xq13.1.
Variant type: Duplication.
Coding change: c.5415_5434dup on transcript NM_004606.5 (MANE Select); coding-DNA positions 5415 to 5434, 20 bases duplicated (GGAGCCTGATCCCAAGTCGA).
Protein change: p.Asn1812fs; shifts the reading frame from asparagine 1812.
Molecular consequence: frameshift variant.
Genome position (GRCh38, 1-based): chrX:71,463,839-71,463,858, GGAGCCTGATCCCAAGTCGA duplicated; duplicating any 20 consecutive bases within chrX:71,463,837-71,463,858 gives the same sequence; the c. name uses the placement nearest the transcript's 3' end. VCF-style (leftmost placement, unchanged base first): chrX-71463836-T-TGAGGAGCCTGATCCCAAGTC. GRCh37 (hg19) VCF-style: chrX-70683686-T-TGAGGAGCCTGATCCCAAGTC.
Other names: c.5421_5440dup, p.Asn1814fs (NM_001286074.2); c.5352_5371dup, p.Asn1791fs (NM_138923.4); short protein forms N1791fs, N1812fs, N1814fs.
Identifiers: ClinVar variation 3907766 (VCV003907766.1).